The following is an entry in ClinVar:

ClinVar aggregate classification (germline): Uncertain significance. Review status: criteria provided, multiple submitters, no conflicts (2 of 4 stars). 2 submissions from 2 submitters: Uncertain significance (2). Last evaluated 2026-08-31.

Conditions:
Cardiovascular phenotype. Identifiers: MedGen CN230736.

gnomAD v4.1: 5 of 1,613,954 alleles (0.00031%); highest among the groups gnomAD compares: Non-Finnish European, 0.00042%; no homozygotes.

Submissions (2):

Ambry Genetics
Classification: Uncertain significance for Cardiovascular phenotype. Last evaluated: 2026-08-31. Review status: criteria provided, single submitter. Criteria: Ambry Variant Classification Scheme 2023. Collection method: clinical testing. Allele origin: germline.
Comment: The p.R541G variant (also known as c.1621C>G), located in coding exon 5 of the ALPK3 gene, results from a C to G substitution at nucleotide position 1621. The arginine at codon 541 is replaced by glycine, an amino acid with dissimilar properties. This amino acid position is conserved. In addition, this alteration is predicted to be tolerated by in silico analysis. Based on the available evidence, the clinical significance of this variant remains unclear.

Labcorp Genetics (formerly Invitae), Labcorp
Classification: Uncertain significance. Last evaluated: 2025-06-22. Review status: criteria provided, single submitter. Criteria: Invitae Variant Classification Sherloc (09022015). Collection method: clinical testing. Allele origin: germline.
Comment: This sequence change replaces arginine, which is basic and polar, with glycine, which is neutral and non-polar, at codon 541 of the ALPK3 protein (p.Arg541Gly). This variant is present in population databases (rs141449225, gnomAD 0.002%). This variant has not been reported in the literature in individuals affected with ALPK3-related conditions. ClinVar contains an entry for this variant (Variation ID: 1978386). An algorithm developed to predict the effect of missense changes on protein structure and function (PolyPhen-2) suggests that this variant is likely to be tolerated. In summary, the available evidence is currently insufficient to determine the role of this variant in disease. Therefore, it has been classified as a Variant of Uncertain Significance.

NM_020778.5(ALPK3):c.1015C>G (p.Arg339Gly)

Gene: ALPK3 (alpha kinase 3; plus strand). Cytogenetic location: 15q25.3.
Variant type: single nucleotide variant.
Coding change: c.1015C>G on transcript NM_020778.5 (MANE Select); coding-DNA position 1015, C replaced by G.
Protein change: p.Arg339Gly; replaces arginine 339 with glycine.
Molecular consequence: missense variant.
Genome position (GRCh38, 1-based): chr15:84,840,294, C>G. VCF-style: chr15-84840294-C-G. GRCh37 (hg19) VCF-style: chr15-85383525-C-G.
Other names: c.1621C>G (NM_020778.4); short protein forms R339G.
Identifiers: ClinVar variation 1978386 (VCV001978386.5), dbSNP rs141449225, ClinGen allele CA7709106.